The following is an entry in ClinVar:

NM_012281.3(KCND2):c.481G>C (p.Ala161Pro)

Gene: KCND2 (potassium voltage-gated channel subfamily D member 2; plus strand). Cytogenetic location: 7q31.31.
Variant type: single nucleotide variant.
Coding change: c.481G>C on transcript NM_012281.3 (MANE Select); coding-DNA position 481, G replaced by C.
Protein change: p.Ala161Pro; replaces alanine 161 with proline.
Molecular consequence: missense variant.
Genome position (GRCh38, 1-based): chr7:120,275,113, G>C. VCF-style: chr7-120275113-G-C. GRCh37 (hg19) VCF-style: chr7-119915167-G-C.
Other names: short protein forms A161P.
Identifiers: ClinVar variation 1486070 (VCV001486070.8), dbSNP rs2116243132, ClinGen allele CA369131701.

ClinVar aggregate classification (germline): Uncertain significance (1 of 4 stars; one submission).

Conditions:
Early Myoclonic Encephalopathy. Identifiers: MedGen C0270855.

Submission:

Labcorp Genetics (formerly Invitae), Labcorp
Classification: Uncertain significance for Early Myoclonic Encephalopathy. Last evaluated: 2022-02-02. Review status: criteria provided, single submitter. Criteria: Invitae Variant Classification Sherloc (09022015). Collection method: clinical testing. Allele origin: germline.
Comment: This variant has not been reported in the literature in individuals affected with KCND2-related conditions. Advanced modeling of protein sequence and biophysical properties (such as structural, functional, and spatial information, amino acid conservation, physicochemical variation, residue mobility, and thermodynamic stability) performed at Invitae indicates that this missense variant is not expected to disrupt KCND2 protein function. This sequence change replaces alanine, which is neutral and non-polar, with proline, which is neutral and non-polar, at codon 161 of the KCND2 protein (p.Ala161Pro). This variant is not present in population databases (gnomAD no frequency). In summary, the available evidence is currently insufficient to determine the role of this variant in disease. Therefore, it has been classified as a Variant of Uncertain Significance.